The following is an entry in ClinVar:

ClinVar aggregate classification (germline): Pathogenic (1 of 4 stars; one submission).

Conditions:
Ehlers-Danlos syndrome, classic type, 1 (EDSCL1). Also called: EHLERS-DANLOS SYNDROME, GRAVIS TYPE; EHLERS-DANLOS SYNDROME, SEVERE CLASSIC TYPE; EDS I; Ehlers-Danlos Syndrome, Classic Type, COL5A1-Related; Ehlers-Danlos syndrome, type 1. Identifiers: MedGen C0268335, MONDO:0019567, OMIM 130000.

Submission:

Labcorp Genetics (formerly Invitae), Labcorp
Classification: Pathogenic for Ehlers-Danlos syndrome, classic type, 1. Last evaluated: 2020-09-15. Review status: criteria provided, single submitter. Criteria: Invitae Variant Classification Sherloc (09022015). Collection method: clinical testing. Allele origin: germline.
Comment: For these reasons, this variant has been classified as Pathogenic. Loss-of-function variants in COL5A1 are known to be pathogenic (PMID: 23587214). This variant has not been reported in the literature in individuals with COL5A1-related conditions. This variant is not present in population databases (ExAC no frequency). This sequence change creates a premature translational stop signal (p.Gln911Alafs*10) in the COL5A1 gene. It is expected to result in an absent or disrupted protein product.

Literature cited by the submitters: PubMed 23587214.

NM_000093.5(COL5A1):c.2730dup (p.Gln911fs)

Gene: COL5A1 (collagen type V alpha 1 chain; plus strand). Cytogenetic location: 9q34.3.
Variant type: Duplication.
Coding change: c.2730dup on transcript NM_000093.5 (MANE Select); coding-DNA position 2730, one base duplicated (G; older notation c.2730dupG).
Protein change: p.Gln911fs; shifts the reading frame from glutamine 911.
Molecular consequence: frameshift variant.
Genome position (GRCh38, 1-based): chr9:134,795,111, G duplicated; the last of 5 consecutive G bases (chr9:134,795,107-134,795,111); duplicating any one gives the same sequence. VCF-style (leftmost placement, unchanged base first): chr9-134795106-C-CG. GRCh37 (hg19) VCF-style: chr9-137686952-C-CG.
Other names: c.2730dup, p.Gln911fs (NM_001278074.1); short protein forms Q911fs.
Identifiers: ClinVar variation 1075190 (VCV001075190.8), dbSNP rs2132802457, ClinGen allele CA645543008.